The following is an entry in ClinVar:

NM_004612.4(TGFBR1):c.1131-3T>C

Gene: TGFBR1 (transforming growth factor beta receptor 1; plus strand). Cytogenetic location: 9q22.33.
Variant type: single nucleotide variant.
Coding change: c.1131-3T>C on transcript NM_004612.4 (MANE Select); 3 bases into the intron before coding-DNA position 1131, T replaced by C.
Molecular consequence: intron variant.
Genome position (GRCh38, 1-based): chr9:99,146,482, T>C. VCF-style: chr9-99146482-T-C. GRCh37 (hg19) VCF-style: chr9-101908764-T-C.
Other names: c.1143-3T>C (NM_001306210.2); c.900-3T>C (NM_001130916.3).
Identifiers: ClinVar variation 1447451 (VCV001447451.6), dbSNP rs2118826404, ClinGen allele CA2573144945.
Genomic context (GRCh38, chr9:99,146,482, plus strand): 5'-GGTTCATCCAAATATGGCAGTAAGGGGATGATTTTCAAAGTTCTTTTTGCAAATTTTTTT[T>C]AGGTACATGGCCCCTGAAGTTCTCGATGATTCCATAAATATGAAACATTTTGAATCCTTC-3'

ClinVar aggregate classification (germline): Uncertain significance (1 of 4 stars; one submission).

Conditions:
Familial thoracic aortic aneurysm and aortic dissection (TAAD). Also called: Thoracic aortic aneurysms and dissections. Identifiers: Orphanet 91387, MedGen C4707243, MONDO:0019625.

Submission:

Labcorp Genetics (formerly Invitae), Labcorp
Classification: Uncertain significance for Familial thoracic aortic aneurysm and aortic dissection. Last evaluated: 2022-06-22. Review status: criteria provided, single submitter. Criteria: Invitae Variant Classification Sherloc (09022015). Collection method: clinical testing. Allele origin: germline.
Comment: Variants that disrupt the consensus splice site are a relatively common cause of aberrant splicing (PMID: 17576681, 9536098). Algorithms developed to predict the effect of sequence changes on RNA splicing suggest that this variant is not likely to affect RNA splicing. In summary, the available evidence is currently insufficient to determine the role of this variant in disease. Therefore, it has been classified as a Variant of Uncertain Significance. This variant has not been reported in the literature in individuals affected with TGFBR1-related conditions. This variant is not present in population databases (gnomAD no frequency). This sequence change falls in intron 6 of the TGFBR1 gene. It does not directly change the encoded amino acid sequence of the TGFBR1 protein. It affects a nucleotide within the consensus splice site.

Literature cited by the submitters: PubMed 17576681; PubMed 9536098.